The following is an entry in ClinVar:

NM_001365276.2(TNXB):c.9223T>A (p.Ser3075Thr)

Gene: TNXB (tenascin XB; minus strand). Cytogenetic location: 6p21.33.
Variant type: single nucleotide variant.
Coding change: c.9223T>A on transcript NM_001365276.2 (MANE Select); coding-DNA position 9223, T replaced by A.
Protein change: p.Ser3075Thr; replaces serine 3075 with threonine.
Molecular consequence: missense variant.
Genome position (GRCh38, 1-based): chr6:32,050,214, A>T on the plus strand (T>A on the coding strand, the complement: TNXB is on the minus strand). VCF-style: chr6-32050214-A-T. GRCh37 (hg19) VCF-style: chr6-32017991-A-T.
Other names: p.Ser3073Thr; c.9217T>A, p.Ser3073Thr (NM_019105.8); short protein forms S3073T, S3075T.
Identifiers: ClinVar variation 1766215 (VCV001766215.3), dbSNP rs760227792, ClinGen allele CA3733592.
Genomic context (GRCh38, chr6:32,050,214, plus strand): 5'-TGTACTGGACCAGGAAGTGGTCAAACTGGCCCTCGGGAACCATCCAGGACAGGCTGAGGG[A>T]GTCGGGGGTGGCATCTGTCACGGTCAGCTCCCCCAGGCGAGGCTTGATGGGGGGCTCAGG-3'
Protein context (NP_001352205.1, residues 3065-3085): ELTVTDATPD[Ser3075Thr]LSLSWMVPEG

ClinVar aggregate classification (germline): Uncertain significance. Review status: criteria provided, multiple submitters, no conflicts (2 of 4 stars). 2 submissions from 2 submitters: Uncertain significance (2). Last evaluated 2025-05-18.

Conditions:
Cardiovascular phenotype. Identifiers: MedGen CN230736.

Allele frequency attached by ClinVar (database versions not stated): ExAC 0.00001; gnomAD exomes 0.00001.
gnomAD v4.1: 16 of 1,613,674 alleles (0.00099%); highest among the groups gnomAD compares: Non-Finnish European, 0.0014%; no homozygotes.

Submissions (2):

Mayo Clinic Laboratories, Mayo Clinic
Classification: Uncertain significance. Last evaluated: 2025-05-18. Review status: criteria provided, single submitter. Criteria: ACMG Guidelines, 2015. Collection method: clinical testing. Allele origin: germline. Observed: 1 variant allele.
Comment: BP4, PM2_supporting

Ambry Genetics
Classification: Uncertain significance for Cardiovascular phenotype. Last evaluated: 2021-06-16. Review status: criteria provided, single submitter. Criteria: Ambry Variant Classification Scheme 2023. Collection method: clinical testing. Allele origin: germline.
Comment: The p.S3073T variant (also known as c.9217T>A), located in coding exon 26 of the TNXB gene, results from a T to A substitution at nucleotide position 9217. The serine at codon 3073 is replaced by threonine, an amino acid with similar properties. This amino acid position is well conserved in available vertebrate species. In addition, this alteration is predicted to be tolerated by in silico analysis. Since supporting evidence is limited at this time, the clinical significance of this alteration remains unclear.